The following is an entry in ClinVar:

ClinVar aggregate classification (germline): Uncertain significance (1 of 4 stars; one submission).

Conditions:
Autosomal dominant hypocalcemia 1 (HYPOC1). Also called: HYPOCALCEMIA, FAMILIAL. Identifiers: MedGen C3715128, MONDO:0011013, OMIM 601198.
Neonatal severe primary hyperparathyroidism. Identifiers: Orphanet 417, MedGen C1832615, MONDO:0009397, OMIM 239200.
Epilepsy, idiopathic generalized, susceptibility to, 8. Identifiers: MedGen C2752062, MONDO:0013032, OMIM 612899.
Familial hypocalciuric hypercalcemia 1. Also called: Hypercalcemia, familial benign type 1. Identifiers: Orphanet 405, Orphanet 93372, MedGen C0342637, MONDO:0007791, OMIM 145980.

Submission:

Juno Genomics, Hangzhou Juno Genomics, Inc
Classification: Uncertain significance for Epilepsy, idiopathic generalized, susceptibility to, 8; Neonatal severe primary hyperparathyroidism; Autosomal dominant hypocalcemia 1; Familial hypocalciuric hypercalcemia 1. Review status: criteria provided, single submitter. Criteria: ACMG Guidelines, 2015. Collection method: clinical testing. Allele origin: germline.
Comment: Absent from controls (or at extremely low frequency if recessive) in Genome Aggregation Database.;Missense variant in a gene that has a low rate of benign missense variation.;Multiple lines of computational evidence support a deleterious effect on the gene or gene product.

NM_000388.4(CASR):c.2432T>C (p.Met811Thr)

Gene: CASR (calcium sensing receptor; plus strand). Cytogenetic location: 3q21.1.
Variant type: single nucleotide variant.
Coding change: c.2432T>C on transcript NM_000388.4 (MANE Select); coding-DNA position 2432, T replaced by C.
Protein change: p.Met811Thr; replaces methionine 811 with threonine.
Molecular consequence: missense variant.
Genome position (GRCh38, 1-based): chr3:122,284,386, T>C. VCF-style: chr3-122284386-T-C. GRCh37 (hg19) VCF-style: chr3-122003233-T-C.
Other names: c.2462T>C, p.Met821Thr (NM_001178065.2); short protein forms M811T, M821T.
Identifiers: ClinVar variation 5018665 (VCV005018665.2).
Genomic context (GRCh38, chr3:122,284,386, plus strand): 5'-CCTTCAAGTCCCGGAAGCTGCCGGAGAACTTCAATGAAGCCAAGTTCATCACCTTCAGCA[T>C]GCTCATCTTCTTCATCGTCTGGATCTCCTTCATTCCAGCCTATGCCAGCACCTATGGCAA-3'
Protein context (NP_000379.3, residues 801-821): FNEAKFITFS[Met811Thr]LIFFIVWISF